The following is an entry in ClinVar:

NM_144670.6(A2ML1):c.3395C>T (p.Thr1132Ile)

Gene: A2ML1 (alpha-2-macroglobulin like 1; plus strand). Cytogenetic location: 12p13.31.
Variant type: single nucleotide variant.
Coding change: c.3395C>T on transcript NM_144670.6 (MANE Select); coding-DNA position 3395, C replaced by T.
Protein change: p.Thr1132Ile; replaces threonine 1132 with isoleucine.
Molecular consequence: missense variant.
Genome position (GRCh38, 1-based): chr12:8,861,190, C>T. VCF-style: chr12-8861190-C-T. GRCh37 (hg19) VCF-style: chr12-9013786-C-T.
Other names: c.3395C>T (NM_144670.5); c.1922C>T, p.Thr641Ile (NM_001282424.3); short protein forms T1132I, T641I.
Identifiers: ClinVar variation 697171 (VCV000697171.13), dbSNP rs201093464, ClinGen allele CA6436373.
Genomic context (GRCh38, chr12:8,861,190, plus strand): 5'-TTTAGGACCCAATGGTGAGTCAGGGTCTACGGTGTCTCAAGAATTCGGCCACCTCCACGA[C>T]CAACCTCTACACACAGGCCCTGTTGGCTTACATTTTCTCCCTGGCTGGGGAAATGGACAT-3'
Protein context (NP_653271.3, residues 1122-1142): RCLKNSATST[Thr1132Ile]NLYTQALLAY

ClinVar aggregate classification (germline): Likely benign. Review status: criteria provided, multiple submitters, no conflicts (2 of 4 stars). 4 submissions from 4 submitters: Likely benign (4). Last evaluated 2026-02-03.

Conditions:
A2ML1-related disorder. Also called: A2ML1-related condition.
Otitis media, susceptibility to (OMS). Also called: COME/ROM; OTITIS MEDIA, CHRONIC/RECURRENT. Identifiers: MedGen C1833692, MONDO:0008162, OMIM 166760.

Allele frequency attached by ClinVar (database versions not stated): TOPMed 0.00010; gnomAD 0.00014 and 0.00015; gnomAD exomes 0.00015 and 0.00030; ESP Exome Variant Server 0.00016; ExAC 0.00031.
gnomAD v4.1: 248 of 1,614,080 alleles (0.015%); highest among the groups gnomAD compares: Middle Eastern, 0.099%; 2 homozygotes.

Submissions (4):

Labcorp Genetics (formerly Invitae), Labcorp
Classification: Likely benign. Last evaluated: 2026-02-03. Review status: criteria provided, single submitter. Criteria: Invitae Variant Classification Sherloc (09022015). Collection method: clinical testing. Allele origin: germline.

PreventionGenetics, part of Exact Sciences
Classification: Likely benign for A2ML1-related condition. Last evaluated: 2024-11-20. Review status: criteria provided, single submitter. Criteria: ACMG Guidelines, 2015. Collection method: clinical testing. Allele origin: germline.
Comment: This variant is classified as likely benign based on ACMG/AMP sequence variant interpretation guidelines (Richards et al. 2015 PMID: 25741868, with internal and published modifications).

Fulgent Genetics
Classification: Likely benign for Otitis media, susceptibility to. Last evaluated: 2021-09-17. Review status: criteria provided, single submitter. Criteria: ACMG Guidelines, 2015. Collection method: clinical testing. Allele origin: unknown.

Breakthrough Genomics
Classification: Likely benign. Review status: criteria provided, single submitter. Criteria: ACMG Guidelines, 2015. Collection method: not provided. Allele origin: germline. Inheritance: Autosomal dominant inheritance. Affected: yes.